The following is an entry in ClinVar:

ClinVar aggregate classification (germline): Pathogenic (1 of 4 stars; one submission).

Conditions:
Sphingolipid activator protein 1 deficiency. Also called: METACHROMATIC LEUKODYSTROPHY DUE TO CEREBROSIDE SULFATASE ACTIVATOR DEFICIENCY; Metachromatic leukodystrophy due to saposin B deficiency; Saposin B Deficiency. Identifiers: Orphanet 512, MedGen C0268262, MONDO:0009590, OMIM 249900.

Submission:

Labcorp Genetics (formerly Invitae), Labcorp
Classification: Pathogenic for Sphingolipid activator protein 1 deficiency. Last evaluated: 2025-06-01. Review status: criteria provided, single submitter. Criteria: Invitae Variant Classification Sherloc (09022015). Collection method: clinical testing. Allele origin: germline.
Comment: This sequence change creates a premature translational stop signal (p.Gly406Argfs*32) in the PSAP gene. It is expected to result in an absent or disrupted protein product. Loss-of-function variants in PSAP are known to be pathogenic (PMID: 8554069, 11309366, 17616409, 19267410, 30632081). This variant is not present in population databases (gnomAD no frequency). This variant has not been reported in the literature in individuals affected with PSAP-related conditions. For these reasons, this variant has been classified as Pathogenic.

Literature cited by the submitters: PubMed 8554069; PubMed 11309366; PubMed 17616409; PubMed 19267410; PubMed 30632081.

NM_002778.4(PSAP):c.1215dup (p.Gly406fs)

Gene: PSAP (prosaposin; minus strand). Cytogenetic location: 10q22.1.
Variant type: Duplication.
Coding change: c.1215dup on transcript NM_002778.4 (MANE Select); coding-DNA position 1215, one base duplicated (C; older notation c.1215dupC).
Protein change: p.Gly406fs; shifts the reading frame from glycine 406.
Molecular consequence: frameshift variant.
Genome position (GRCh38, 1-based): chr10:71,819,600, G duplicated on the plus strand (C on the coding strand, the reverse complement: PSAP is on the minus strand). VCF-style (leftmost placement, unchanged base first): chr10-71819599-C-CG. GRCh37 (hg19) VCF-style: chr10-73579356-C-CG.
Other names: c.1224dup, p.Gly409fs (NM_001042465.3); c.1221dup, p.Gly408fs (NM_001042466.3); short protein forms G408fs, G406fs, G409fs.
Identifiers: ClinVar variation 4720579 (VCV004720579.1).
Genomic context (GRCh38, chr10:71,819,599, plus strand): 5'-TTTTCTCCAGGTTGCGATCCAAATAACCCACCAGCTTCTTGCACACTTCGCAGAAGCCAC[C>CG]GTCCTTTGGCTGAGTCACGTGAACTACATAAGAGGGCAGCGGGCTCAACGCTGGCAGGGC-3'